The following is an entry in ClinVar:

NM_004304.5(ALK):c.1817+1G>A

Gene: ALK (ALK receptor tyrosine kinase; minus strand). Cytogenetic location: 2p23.2.
Variant type: single nucleotide variant.
Coding change: c.1817+1G>A on transcript NM_004304.5 (MANE Select); the canonical splice donor site of the intron after coding-DNA position 1817, G replaced by A.
Molecular consequence: splice donor variant.
Genome position (GRCh38, 1-based): chr2:29,296,887, C>T on the plus strand (G>A on the coding strand, the complement: ALK is on the minus strand). VCF-style: chr2-29296887-C-T. GRCh37 (hg19) VCF-style: chr2-29519753-C-T.
Identifiers: ClinVar variation 1692774 (VCV001692774.1), dbSNP rs2148230982, ClinGen allele CA346465758.

ClinVar aggregate classification (germline): Uncertain significance (1 of 4 stars; one submission).

Conditions:
Hereditary cancer-predisposing syndrome. Also called: Hereditary neoplastic syndrome; Tumor predisposition; Neoplastic Syndromes, Hereditary; Hereditary Cancer Syndrome. Identifiers: Orphanet 140162, MedGen C0027672, MeSH D009386, MONDO:0015356.

Submission:

Sema4
Classification: Uncertain significance for Hereditary cancer-predisposing syndrome. Last evaluated: 2021-10-06. Review status: criteria provided, single submitter. Criteria: Sema4 Curation Guidelines. Collection method: curation. Allele origin: germline.
Comment: The ALK c.1817+1G>A variant has not been reported in the literature to our knowledge. This variant is predicted to abolish the canonical splice site leading to an abnormal or absent protein. However, loss of function in ALK has not been clearly established as a mechanism of disease. It was not observed in the large and broad cohorts of the Genome Aggregation Database (PMID: 32461654). This variant has not been reported in ClinVar. The evidence is insufficient to meet ACMG/AMP criteria for classifying the variant as benign or pathogenic. Thus, the clinical significance of this variant is currently uncertain.